The following is an entry in ClinVar:

NM_004360.5(CDH1):c.2216A>T (p.Glu739Val)

Gene: CDH1 (cadherin 1; plus strand). Cytogenetic location: 16q22.1.
Variant type: single nucleotide variant.
Coding change: c.2216A>T on transcript NM_004360.5 (MANE Select); coding-DNA position 2216, A replaced by T.
Protein change: p.Glu739Val; replaces glutamic acid 739 with valine.
Molecular consequence: missense variant.
Genome position (GRCh38, 1-based): chr16:68,828,225, A>T. VCF-style: chr16-68828225-A-T. GRCh37 (hg19) VCF-style: chr16-68862128-A-T.
Other names: c.2033A>T, p.Glu678Val (NM_001317184.2); c.668A>T, p.Glu223Val (NM_001317185.2); c.251A>T, p.Glu84Val (NM_001317186.2); short protein forms E84V, E678V, E223V, E739V.
Identifiers: ClinVar variation 849747 (VCV000849747.11), dbSNP rs1555517647, ClinGen allele CA396469640.

ClinVar aggregate classification (germline): Uncertain significance. Review status: criteria provided, multiple submitters, no conflicts (2 of 4 stars). 2 submissions from 2 submitters: Uncertain significance (2). Last evaluated 2025-10-22.

Conditions:
Hereditary cancer-predisposing syndrome. Also called: Neoplastic Syndromes, Hereditary; Hereditary Cancer Syndrome; Hereditary neoplastic syndrome; Tumor predisposition. Identifiers: Orphanet 140162, MedGen C0027672, MeSH D009386, MONDO:0015356.
Hereditary diffuse gastric adenocarcinoma (HDGC). Also called: DIFFUSE GASTRIC AND LOBULAR BREAST CANCER SYNDROME. Identifiers: Orphanet 26106, MedGen C1708349, MONDO:0007648, OMIM 137215.

Submissions (2):

Ambry Genetics
Classification: Uncertain significance for Hereditary cancer-predisposing syndrome. Last evaluated: 2025-10-22. Review status: criteria provided, single submitter. Criteria: Ambry Variant Classification Scheme 2023. Collection method: clinical testing. Allele origin: germline.
Comment: The p.E739V variant (also known as c.2216A>T), located in coding exon 14 of the CDH1 gene, results from an A to T substitution at nucleotide position 2216. The glutamic acid at codon 739 is replaced by valine, an amino acid with dissimilar properties. This amino acid position is conserved. In addition, this alteration is predicted to be tolerated by in silico analysis. Based on the available evidence, the clinical significance of this variant remains unclear.

Labcorp Genetics (formerly Invitae), Labcorp
Classification: Uncertain significance for Hereditary diffuse gastric adenocarcinoma. Last evaluated: 2019-11-26. Review status: criteria provided, single submitter. Criteria: Invitae Variant Classification Sherloc (09022015). Collection method: clinical testing. Allele origin: germline.
Comment: In summary, the available evidence is currently insufficient to determine the role of this variant in disease. Therefore, it has been classified as a Variant of Uncertain Significance. This sequence change replaces glutamic acid with valine at codon 739 of the CDH1 protein (p.Glu739Val). The glutamic acid residue is highly conserved and there is a moderate physicochemical difference between glutamic acid and valine. This variant is not present in population databases (ExAC no frequency). This variant has not been reported in the literature in individuals with CDH1-related conditions. Algorithms developed to predict the effect of missense changes on protein structure and function are either unavailable or do not agree on the potential impact of this missense change (SIFT: "Deleterious"; PolyPhen-2: "Probably Damaging"; Align-GVGD: "Class C15").